The following is an entry in ClinVar:

NM_001873.4(CPE):c.495A>C (p.Ala165=)

Gene: CPE (carboxypeptidase E; plus strand). Cytogenetic location: 4q32.3.
Variant type: single nucleotide variant.
Coding change: c.495A>C on transcript NM_001873.4 (MANE Select); coding-DNA position 495, A replaced by C.
Protein change: p.Ala165=; no amino-acid change (alanine 165 retained).
Molecular consequence: synonymous variant.
Genome position (GRCh38, 1-based): chr4:165,464,577, A>C. VCF-style: chr4-165464577-A-C. GRCh37 (hg19) VCF-style: chr4-166385729-A-C.
Identifiers: ClinVar variation 3354572 (VCV003354572.1).

ClinVar aggregate classification (germline): Likely benign (0 of 4 stars; one submission).

Conditions:
CPE-related disorder. Also called: CPE-related condition.

Submission:

PreventionGenetics, part of Exact Sciences
Classification: Likely benign for CPE-related condition. Last evaluated: 2024-09-11. Review status: no assertion criteria provided. Collection method: clinical testing. Allele origin: germline.
Comment: This variant is classified as likely benign based on ACMG/AMP sequence variant interpretation guidelines (Richards et al. 2015 PMID: 25741868, with internal and published modifications).